The following is an entry in ClinVar:

NM_014727.3(KMT2B):c.7868G>T (p.Gly2623Val)

Gene: KMT2B (lysine methyltransferase 2B; plus strand). Cytogenetic location: 19q13.12.
Variant type: single nucleotide variant.
Coding change: c.7868G>T on transcript NM_014727.3 (MANE Select); coding-DNA position 7868, G replaced by T.
Protein change: p.Gly2623Val; replaces glycine 2623 with valine.
Molecular consequence: missense variant.
Genome position (GRCh38, 1-based): chr19:35,738,187, G>T. VCF-style: chr19-35738187-G-T. GRCh37 (hg19) VCF-style: chr19-36229088-G-T.
Other names: short protein forms G2623V.
Identifiers: ClinVar variation 3252463 (VCV003252463.3), dbSNP rs2513369930.

ClinVar aggregate classification (germline): Uncertain significance (1 of 4 stars; one submission).

Submission:

GeneDx
Classification: Uncertain significance. Last evaluated: 2026-10-15. Review status: criteria provided, single submitter. Criteria: GeneDx Variant Classification Process June 2021. Collection method: clinical testing. Allele origin: germline.
Comment: Not observed at significant frequency in large population cohorts (gnomAD); In silico analysis supports that this missense variant has a deleterious effect on protein structure/function; Has not been previously published as pathogenic or benign to our knowledge